The following is an entry in ClinVar:

NM_001364171.2(ODAD1):c.1157G>A (p.Arg386His)

Gene: ODAD1 (outer dynein arm docking complex subunit 1; minus strand). Cytogenetic location: 19q13.33.
Variant type: single nucleotide variant.
Coding change: c.1157G>A on transcript NM_001364171.2 (MANE Select); coding-DNA position 1157, G replaced by A.
Protein change: p.Arg386His; replaces arginine 386 with histidine.
Molecular consequence: missense variant.
Genome position (GRCh38, 1-based): chr19:48,302,777, C>T on the plus strand (G>A on the coding strand, the complement: ODAD1 is on the minus strand). VCF-style: chr19-48302777-C-T. GRCh37 (hg19) VCF-style: chr19-48806034-C-T.
Other names: c.1046G>A (NM_144577.3); c.1046G>A, p.Arg349His (NM_144577.4); short protein forms R349H, R386H.
Identifiers: ClinVar variation 1682873 (VCV001682873.5), dbSNP rs200697095, ClinGen allele CA9548803.

ClinVar aggregate classification (germline): Uncertain significance. Review status: criteria provided, multiple submitters, no conflicts (2 of 4 stars). 2 submissions from 2 submitters: Uncertain significance (2). Last evaluated 2025-12-24.

Conditions:
Primary ciliary dyskinesia. Also called: Ciliary dyskinesia. Identifiers: Orphanet 244, MedGen C0008780, MONDO:0016575, HP:0012265.

Allele frequency attached by ClinVar (database versions not stated): gnomAD exomes 0.00003; ExAC 0.00004; gnomAD 0.00007 and 0.00009; ESP Exome Variant Server 0.00031.
gnomAD v4.1: 45 of 1,613,814 alleles (0.0028%); highest among the groups gnomAD compares: African/African-American, 0.021%; no homozygotes.

Submissions (2):

Ambry Genetics
Classification: Uncertain significance for Primary ciliary dyskinesia. Last evaluated: 2025-12-24. Review status: criteria provided, single submitter. Criteria: Ambry Variant Classification Scheme 2023. Collection method: clinical testing. Allele origin: germline.
Comment: The p.R349H variant (also known as c.1046G>A), located in coding exon 9 of the CCDC114 gene, results from a G to A substitution at nucleotide position 1046. The arginine at codon 349 is replaced by histidine, an amino acid with highly similar properties. This amino acid position is conserved. In addition, this alteration is predicted to be tolerated by in silico analysis. Based on the available evidence, the clinical significance of this variant remains unclear.

Labcorp Genetics (formerly Invitae), Labcorp
Classification: Uncertain significance for Primary ciliary dyskinesia. Last evaluated: 2021-10-09. Review status: criteria provided, single submitter. Criteria: Invitae Variant Classification Sherloc (09022015). Collection method: clinical testing. Allele origin: germline.
Comment: This sequence change replaces arginine with histidine at codon 349 of the CCDC114 protein (p.Arg349His). The arginine residue is weakly conserved and there is a small physicochemical difference between arginine and histidine. This variant is present in population databases (rs200697095, ExAC 0.01%). This variant has not been reported in the literature in individuals affected with CCDC114-related conditions. Algorithms developed to predict the effect of missense changes on protein structure and function (SIFT, PolyPhen-2, Align-GVGD) all suggest that this variant is likely to be tolerated. In summary, the available evidence is currently insufficient to determine the role of this variant in disease. Therefore, it has been classified as a Variant of Uncertain Significance.